The following is an entry in ClinVar:

ClinVar aggregate classification (germline): Uncertain significance. Review status: criteria provided, multiple submitters, no conflicts (2 of 4 stars). 2 submissions from 2 submitters: Uncertain significance (2). Last evaluated 2024-12-20.

Conditions:
TMEM67-related disorder. Also called: TMEM67-related disorders; TMEM67-related condition. Identifiers: MedGen CN239423.
Meckel-Gruber syndrome. Also called: DYSENCEPHALIA SPLANCHNOCYSTICA; GRUBER SYNDROME; Dysencephalia splachnocystica. Identifiers: Orphanet 564, MedGen C0265215, MONDO:0018921.
Joubert syndrome. Also called: JOUBERT-BOLTSHAUSER SYNDROME; Familial aplasia of the vermis. Identifiers: Orphanet 475, MedGen C5979921, MONDO:0018772.

Allele frequency attached by ClinVar (database versions not stated): gnomAD exomes below 0.00001; ExAC 0.00001; TOPMed 0.00001; gnomAD 0.00002.

Submissions (2):

PreventionGenetics, part of Exact Sciences
Classification: Uncertain significance for TMEM67-related condition. Last evaluated: 2024-12-20. Review status: criteria provided, single submitter. Criteria: ACMG Guidelines, 2015. Collection method: clinical testing. Allele origin: germline.
Comment: The TMEM67 c.799G>A variant is predicted to result in the amino acid substitution p.Ala267Thr. To our knowledge, this variant has not been reported in the literature. This variant is reported in 0.011% of alleles in individuals of African descent in gnomAD. At this time, the clinical significance of this variant is uncertain due to the absence of conclusive functional and genetic evidence.

Labcorp Genetics (formerly Invitae), Labcorp
Classification: Uncertain significance for Joubert syndrome; Meckel-Gruber syndrome. Last evaluated: 2021-09-01. Review status: criteria provided, single submitter. Criteria: Invitae Variant Classification Sherloc (09022015). Collection method: clinical testing. Allele origin: germline.
Comment: This sequence change replaces alanine with threonine at codon 267 of the TMEM67 protein (p.Ala267Thr). The alanine residue is moderately conserved and there is a small physicochemical difference between alanine and threonine. This variant is present in population databases (rs752179627, ExAC 0.001%). This variant has not been reported in the literature in individuals affected with TMEM67-related conditions. Algorithms developed to predict the effect of missense changes on protein structure and function are either unavailable or do not agree on the potential impact of this missense change (SIFT: "Tolerated"; PolyPhen-2: "Probably Damaging"; Align-GVGD: "Class C0"). In summary, the available evidence is currently insufficient to determine the role of this variant in disease. Therefore, it has been classified as a Variant of Uncertain Significance.

NM_153704.6(TMEM67):c.799G>A (p.Ala267Thr)

Gene: TMEM67 (transmembrane protein 67; plus strand). Cytogenetic location: 8q22.1.
Variant type: single nucleotide variant.
Coding change: c.799G>A on transcript NM_153704.6 (MANE Select); coding-DNA position 799, G replaced by A.
Protein change: p.Ala267Thr; replaces alanine 267 with threonine.
Molecular consequence: missense variant. On other transcripts: non-coding transcript variant (1).
Genome position (GRCh38, 1-based): chr8:93,780,677, G>A. VCF-style: chr8-93780677-G-A. GRCh37 (hg19) VCF-style: chr8-94792905-G-A.
Other names: c.556G>A, p.Ala186Thr (NM_001142301.1); c.799G>A (NM_153704.5); short protein forms A267T, A186T.
Identifiers: ClinVar variation 1441010 (VCV001441010.6), dbSNP rs752179627, ClinGen allele CA4807772.